The following is an entry in ClinVar:

NM_018972.4(GDAP1):c.485-2del

Gene: GDAP1 (ganglioside induced differentiation associated protein 1; plus strand). Cytogenetic location: 8q21.11.
Variant type: Deletion.
Coding change: c.485-2del on transcript NM_018972.4 (MANE Select); the canonical splice acceptor site of the intron before coding-DNA position 485, one base deleted (A; older notation c.485-2delA).
Molecular consequence: splice acceptor variant.
Genome position (GRCh38, 1-based): chr8:74,361,882, A deleted. VCF-style (leftmost placement, unchanged base first): chr8-74361881-CA-C. GRCh37 (hg19) VCF-style: chr8-75274116-CA-C.
Other names: c.485-2del (NM_001362931.2); c.311-2del (NM_001362930.2); c.158-2del (NM_001362929.2, NM_001362932.2); c.281-2del (NM_001040875.4).
Identifiers: ClinVar variation 2000333 (VCV002000333.4), dbSNP rs2536744805, ClinGen allele CA2580078946.

ClinVar aggregate classification (germline): Likely pathogenic (1 of 4 stars; one submission).

Conditions:
Charcot-Marie-Tooth disease type 4A. Also called: Charcot-Marie-Tooth disease, demyelinating, autosomal recessive, type 4a. Identifiers: Orphanet 99948, MedGen C1859198, MONDO:0008961, OMIM 214400.

Submission:

Labcorp Genetics (formerly Invitae), Labcorp
Classification: Likely pathogenic for Charcot-Marie-Tooth disease type 4A. Last evaluated: 2022-05-29. Review status: criteria provided, single submitter. Criteria: Invitae Variant Classification Sherloc (09022015). Collection method: clinical testing. Allele origin: germline.
Comment: In summary, the currently available evidence indicates that the variant is pathogenic, but additional data are needed to prove that conclusively. Therefore, this variant has been classified as Likely Pathogenic. Algorithms developed to predict the effect of sequence changes on RNA splicing suggest that this variant may disrupt the consensus splice site. This variant has not been reported in the literature in individuals affected with GDAP1-related conditions. This sequence change affects a splice site in intron 3 of the GDAP1 gene. It is expected to disrupt RNA splicing. Variants that disrupt the donor or acceptor splice site typically lead to a loss of protein function (PMID: 16199547), and loss-of-function variants in GDAP1 are known to be pathogenic (PMID: 11743580). This variant is not present in population databases (gnomAD no frequency).

Literature cited by the submitters: PubMed 16199547; PubMed 11743580.